The following is an entry in ClinVar:

ClinVar aggregate classification (germline): Uncertain significance (1 of 4 stars; one submission).

Conditions:
Encephalopathy, acute, infection-induced (herpes-specific), susceptibility to, 1. Also called: Herpes simplex encephalitis, susceptibility to, 1. Identifiers: Orphanet 1930, MedGen C2750180, MONDO:0024563, OMIM 610551.

Allele frequency attached by ClinVar (database versions not stated): gnomAD 0.00005 and 0.00007; TOPMed 0.00005; ExAC 0.00016; 1000 Genomes Project 30x 0.00031; gnomAD exomes 0.00002.

Submission:

Labcorp Genetics (formerly Invitae), Labcorp
Classification: Uncertain significance for Encephalopathy, acute, infection-induced (herpes-specific), susceptibility to, 1. Last evaluated: 2022-07-05. Review status: criteria provided, single submitter. Criteria: Invitae Variant Classification Sherloc (09022015). Collection method: clinical testing. Allele origin: germline.
Comment: This sequence change replaces serine, which is neutral and polar, with leucine, which is neutral and non-polar, at codon 369 of the UNC93B1 protein (p.Ser369Leu). This variant is present in population databases (rs757757696, gnomAD 0.02%). This variant has not been reported in the literature in individuals affected with UNC93B1-related conditions. ClinVar contains an entry for this variant (Variation ID: 1051724). Experimental studies and prediction algorithms are not available or were not evaluated, and the functional significance of this variant is currently unknown. In summary, the available evidence is currently insufficient to determine the role of this variant in disease. Therefore, it has been classified as a Variant of Uncertain Significance.

NM_030930.4(UNC93B1):c.1106C>T (p.Ser369Leu)

Gene: UNC93B1 (unc-93B1 regulator of TLR signaling; minus strand). Cytogenetic location: 11q13.2.
Variant type: single nucleotide variant.
Coding change: c.1106C>T on transcript NM_030930.4 (MANE Select); coding-DNA position 1106, C replaced by T.
Protein change: p.Ser369Leu; replaces serine 369 with leucine.
Molecular consequence: missense variant.
Genome position (GRCh38, 1-based): chr11:67,995,868, G>A on the plus strand (C>T on the coding strand, the complement: UNC93B1 is on the minus strand). VCF-style: chr11-67995868-G-A. GRCh37 (hg19) VCF-style: chr11-67763339-G-A.
Other names: short protein forms S369L.
Identifiers: ClinVar variation 1051724 (VCV001051724.6), dbSNP rs757757696, ClinGen allele CA6145442.
Genomic context (GRCh38, chr11:67,995,868, plus strand): 5'-GCGGCTGAGGCGCCCAGGCTGTAAGCCACGAGGAGGTAAGCCAGCCGCTCCAGCCCCACC[G>A]AGCACACGCCATAGCCCTGCGGGGGGACAAGGGGTGAGTGTTGAAGTCTGGAACAGCCCA-3'
Protein context (NP_112192.2, residues 359-379): TGIALGYGVC[Ser369Leu]VGLERLAYLL